The following is an entry in ClinVar:

NM_000222.3(KIT):c.555T>G (p.His185Gln)

Gene: KIT (KIT proto-oncogene, receptor tyrosine kinase; plus strand). Cytogenetic location: 4q12.
Variant type: single nucleotide variant.
Coding change: c.555T>G on transcript NM_000222.3 (MANE Select); coding-DNA position 555, T replaced by G.
Protein change: p.His185Gln; replaces histidine 185 with glutamine.
Molecular consequence: missense variant.
Genome position (GRCh38, 1-based): chr4:54,698,501, T>G. VCF-style: chr4-54698501-T-G. GRCh37 (hg19) VCF-style: chr4-55564667-T-G.
Other names: c.555T>G, p.His185Gln (NM_001093772.2, NM_001385284.1, NM_001385285.1 and 4 more transcripts); short protein forms H185Q.
Identifiers: ClinVar variation 953437 (VCV000953437.11), dbSNP rs1227095960, ClinGen allele CA356897895.

ClinVar aggregate classification (germline): Conflicting classifications of pathogenicity. Review status: criteria provided, conflicting classifications (1 of 4 stars). 3 submissions from 3 submitters: Uncertain significance (2); Likely benign (1). Last evaluated 2025-04-30.

Conditions:
Hereditary cancer-predisposing syndrome. Also called: Neoplastic Syndromes, Hereditary; Hereditary neoplastic syndrome; Tumor predisposition; Hereditary Cancer Syndrome. Identifiers: Orphanet 140162, MedGen C0027672, MeSH D009386, MONDO:0015356.
Germ cell tumor of testis (TGCT). Also called: GERM CELL TUMOR, SOMATIC; Testicular germ cell tumor. Identifiers: Orphanet 363504, MedGen C1336708, MONDO:0010108, OMIM 273300.
Gastrointestinal stromal tumor. Also called: Gastrointestinal stromal tumor, somatic; Gastrointestinal stroma tumor. Identifiers: Orphanet 44890, MedGen C0238198, MeSH D046152, MONDO:0011719, OMIM 606764, HP:0100723.
Acute myeloid leukemia (AML). Also called: Acute myeloid leukemia, adult; AML adult; Acute non-lymphocytic leukemia; Acute granulocytic leukemia; Leukemia, acute myelogenous, somatic; Leukemia, acute myeloid, somatic. Identifiers: Orphanet 519, MedGen C0023467, MeSH D015470, MONDO:0018874, OMIM 601626, HP:0004808. Disease mechanism: Constitutively activated FLT3.
Piebaldism. Also called: Piebald skin depigmentation. Identifiers: Orphanet 2884, MedGen C0080024, MONDO:0008244, OMIM 172800, HP:0007544.
Cutaneous mastocytosis. Also called: MASTOCYTOSIS, MACULOPAPULAR CUTANEOUS. Identifiers: Orphanet 66646, MedGen C1136033, MONDO:0019023, OMIM 154800, HP:0200151.

Allele frequency attached by ClinVar (database versions not stated): gnomAD 0.00001 and 0.00002.
gnomAD v4.1: 4 of 1,614,070 alleles (0.00025%); highest among the groups gnomAD compares: African/African-American, 0.0053%; no homozygotes.

Submissions (3):

Labcorp Genetics (formerly Invitae), Labcorp
Classification: Uncertain significance for Gastrointestinal stromal tumor. Last evaluated: 2025-04-30. Review status: criteria provided, single submitter. Criteria: Invitae Variant Classification Sherloc (09022015). Collection method: clinical testing. Allele origin: germline.
Comment: This sequence change replaces histidine, which is basic and polar, with glutamine, which is neutral and polar, at codon 185 of the KIT protein (p.His185Gln). This variant is present in population databases (no rsID available, gnomAD 0.01%). This variant has not been reported in the literature in individuals affected with KIT-related conditions. ClinVar contains an entry for this variant (Variation ID: 953437). An algorithm developed to predict the effect of missense changes on protein structure and function outputs the following: PolyPhen-2: "Benign". The glutamine amino acid residue is found in multiple mammalian species, which suggests that this missense change does not adversely affect protein function. In summary, the available evidence is currently insufficient to determine the role of this variant in disease. Therefore, it has been classified as a Variant of Uncertain Significance.

Fulgent Genetics
Classification: Uncertain significance for Cutaneous mastocytosis; Piebaldism; Germ cell tumor of testis; Acute myeloid leukemia; Gastrointestinal stromal tumor. Last evaluated: 2024-06-18. Review status: criteria provided, single submitter. Criteria: ACMG Guidelines, 2015. Collection method: clinical testing. Allele origin: germline.

Ambry Genetics
Classification: Likely benign for Hereditary cancer-predisposing syndrome. Last evaluated: 2024-03-26. Review status: criteria provided, single submitter. Criteria: Ambry Variant Classification Scheme 2023. Collection method: clinical testing. Allele origin: germline.